The following is an entry in ClinVar:

ClinVar aggregate classification (germline): Pathogenic (0 of 4 stars; one submission).

Conditions:
Steinert myotonic dystrophy syndrome (DM1). Also called: STEINERT DISEASE; Myotonic dystrophy type 1; Dystrophia myotonica type 1; Steinert myotonic dystrophy; Steinert's disease. Identifiers: Orphanet 273, MedGen C3250443, MONDO:0008056, OMIM 160900.

Submission:

Institute of Molecular, Cell and Systems Biology, University of Glasgow
Classification: Pathogenic for Steinert myotonic dystrophy syndrome. Review status: no assertion criteria provided. Criteria: research. Collection method: research. Allele origin: germline. Inheritance: Autosomal dominant inheritance. Affected: yes. Observed: 1 heterozygote.
Comment: DMPK CTG repeat expansions greater than approximately 45-50 repeats are assumed to be pathogenic

This record is based on data published in PubMed 25052313, which reports only ClinVar accessions SCV000120188 and SCV000120189. The complete data set includes SCV000207445 - SCV000207579.

Literature cited by the submitters: PubMed 1346923; PubMed 1546326; PubMed 25052313.

NM_004409.5(DMPK):c.*224CTG[232]

Genes: DM1-AS (DM1 locus antisense RNA; plus strand), DMPK (DM1 protein kinase; minus strand), LOC107075317 (origin of replication in DMPK trinucleotide repeat region; plus strand), LOC109461477 (dystrophia myotonica protein kinase repeat instability region; plus strand). Cytogenetic location: 19q13.32.
Variant type: Microsatellite.
Coding change: c.*224CTG[232] on transcript NM_004409.5 (MANE Select); 232 copies in a row of the 3-base unit CTG starting at c.*224.
Molecular consequence: 3 prime UTR variant.
Genome position: GRCh38, VCF-style position (the base before the change): chr19:45,770,204. GRCh37 (hg19), VCF-style position (the base before the change): chr19:46,273,462.
Other names: DM1 CTG repeat expansion; c.*222_*224TGC[232] (NM_001081563.3); c.*224CTG[232] (NM_001288764.2, NM_001081560.3, NM_001424165.1 and 1 more transcripts); c.*217CTG[232] (NM_001288765.2, NM_001081562.3, NM_001424162.1 and 2 more transcripts); c.*369CTG[232] (NM_001288766.2, NM_001424164.1, NM_001424168.1).
Identifiers: ClinVar variation 187941 (VCV000187941.2), ClinGen allele CA915951739.